The following is an entry in ClinVar:

NM_002439.5(MSH3):c.1688T>C (p.Val563Ala)

Gene: MSH3 (mutS homolog 3; plus strand). Cytogenetic location: 5q14.1.
Variant type: single nucleotide variant.
Coding change: c.1688T>C on transcript NM_002439.5 (MANE Select); coding-DNA position 1688, T replaced by C.
Protein change: p.Val563Ala; replaces valine 563 with alanine.
Molecular consequence: missense variant.
Genome position (GRCh38, 1-based): chr5:80,744,540, T>C. VCF-style: chr5-80744540-T-C. GRCh37 (hg19) VCF-style: chr5-80040359-T-C.
Other names: short protein forms V563A.
Identifiers: ClinVar variation 2164852 (VCV002164852.4), dbSNP rs748479596, ClinGen allele CA3328008.
Genomic context (GRCh38, chr5:80,744,540, plus strand): 5'-AAAACTTGTTTTCTGGTCTTTCTTAGACTGATATGAAAACCAAAGGAAGTTTGCTGTGGG[T>C]TTTAGACCACACTAAAACTTCATTTGGGAGACGGAAGTTAAAGAAGTGGGTGACCCAGCC-3'
Protein context (NP_002430.3, residues 553-573): DMKTKGSLLW[Val563Ala]LDHTKTSFGR

ClinVar aggregate classification (germline): Uncertain significance (1 of 4 stars; one submission).

Allele frequency attached by ClinVar (database versions not stated): gnomAD exomes below 0.00001; ExAC 0.00001.
gnomAD v4.1: 2 of 1,613,706 alleles (0.00012%); highest among the groups gnomAD compares: South Asian, 0.0022%; no homozygotes.

Submission:

Labcorp Genetics (formerly Invitae), Labcorp
Classification: Uncertain significance. Last evaluated: 2022-10-08. Review status: criteria provided, single submitter. Criteria: Invitae Variant Classification Sherloc (09022015). Collection method: clinical testing. Allele origin: germline.
Comment: This sequence change replaces valine, which is neutral and non-polar, with alanine, which is neutral and non-polar, at codon 563 of the MSH3 protein (p.Val563Ala). This variant is present in population databases (rs748479596, gnomAD 0.007%). This variant has not been reported in the literature in individuals affected with MSH3-related conditions. Algorithms developed to predict the effect of missense changes on protein structure and function (SIFT, PolyPhen-2, Align-GVGD) all suggest that this variant is likely to be tolerated. In summary, the available evidence is currently insufficient to determine the role of this variant in disease. Therefore, it has been classified as a Variant of Uncertain Significance.